The following is an entry in ClinVar:

NM_001267550.2(TTN):c.20438del (p.Asn6813fs)

Gene: TTN (titin; minus strand). Cytogenetic location: 2q31.2.
Variant type: Deletion.
Coding change: c.20438del on transcript NM_001267550.2 (MANE Select); coding-DNA position 20438, one base deleted (A; older notation c.20438delA).
Protein change: p.Asn6813fs; shifts the reading frame from asparagine 6813.
Molecular consequence: frameshift variant. On other transcripts: intron variant (3).
Genome position (GRCh38, 1-based): chr2:178,725,884, T deleted on the plus strand (A on the coding strand, the reverse complement: TTN is on the minus strand); the first of 5 consecutive T bases (chr2:178,725,884-178,725,888); deleting any one gives the same sequence. VCF-style (leftmost placement, unchanged base first): chr2-178725883-GT-G. GRCh37 (hg19) VCF-style: chr2-179590610-GT-G.
Other names: c.19487del, p.Asn6496fs (NM_001256850.1); c.16706del, p.Asn5569fs (NM_133378.4); c.13282+12198del (NM_003319.4); c.13858+12198del (NM_133437.4); c.13657+12198del (NM_133432.3); short protein forms N6813fs, N5569fs, N6496fs.
Identifiers: ClinVar variation 1364109 (VCV001364109.6), dbSNP rs2154304574, ClinGen allele CA2573133929.
Genomic context (GRCh38, chr2:178,725,883, plus strand): 5'-GCAGTGGTATTCACCGATGTCTGAAGTGTCCACATTGAGAATGTGAATACTTGTGTGGAA[GT>G]TTTTGGATGCAATCTTGTATTTCTTGCTGCTTCTGAGTTGCCGCTTGTCTTTGTACCATA-3'

ClinVar aggregate classification (germline): Likely pathogenic (1 of 4 stars; one submission).

Conditions:
Dilated cardiomyopathy 1G (CMD1G). Identifiers: Orphanet 154, MedGen C1858763, MONDO:0011400, OMIM 604145.
Autosomal recessive limb-girdle muscular dystrophy type 2J (LGMDR10). Also called: Limb-girdle muscular dystrophy, type 2J; MUSCULAR DYSTROPHY, LIMB-GIRDLE, AUTOSOMAL RECESSIVE 10. Identifiers: Orphanet 140922, MedGen C1837342, MONDO:0012127, OMIM 608807.

Submission:

Labcorp Genetics (formerly Invitae), Labcorp
Classification: Likely pathogenic for Dilated cardiomyopathy 1G; Autosomal recessive limb-girdle muscular dystrophy type 2J. Last evaluated: 2024-10-18. Review status: criteria provided, single submitter. Criteria: Invitae Variant Classification Sherloc (09022015). Collection method: clinical testing. Allele origin: germline.
Comment: This sequence change creates a premature translational stop signal (p.Asn6813Thrfs*36) in the TTN gene. While this is not anticipated to result in nonsense mediated decay, it is expected to create a truncated TTN protein. This variant is not present in population databases (gnomAD no frequency). This variant has not been reported in the literature in individuals affected with TTN-related conditions. ClinVar contains an entry for this variant (Variation ID: 1364109). This variant is located in the I band of TTN (PMID: 25589632). Truncating variants in this region have been reported in individuals affected with autosomal recessive centronuclear myopathy (PMID: 23975875, internal data). Truncating variants in this region have also been identified in individuals affected with autosomal dominant dilated cardiomyopathy and/or cardio-related conditions (PMID: 27869827, 32964742, internal data). In summary, the currently available evidence indicates that the variant is pathogenic, but additional data are needed to prove that conclusively. Therefore, this variant has been classified as Likely Pathogenic.

Literature cited by the submitters: PubMed 25589632; PubMed 23975875; PubMed 27869827; PubMed 32964742.